The following is an entry in ClinVar:

NM_005359.6(SMAD4):c.580A>G (p.Thr194Ala)

Gene: SMAD4 (SMAD family member 4; plus strand). Cytogenetic location: 18q21.2.
Variant type: single nucleotide variant.
Coding change: c.580A>G on transcript NM_005359.6 (MANE Select); coding-DNA position 580, A replaced by G.
Protein change: p.Thr194Ala; replaces threonine 194 with alanine.
Molecular consequence: missense variant.
Genome position (GRCh38, 1-based): chr18:51,054,906, A>G. VCF-style: chr18-51054906-A-G. GRCh37 (hg19) VCF-style: chr18-48581276-A-G.
Other names: short protein forms T194A.
Identifiers: ClinVar variation 578083 (VCV000578083.11), dbSNP rs1432058632, ClinGen allele CA402461040.

ClinVar aggregate classification (germline): Uncertain significance. Review status: criteria provided, multiple submitters, no conflicts (2 of 4 stars). 2 submissions from 2 submitters: Uncertain significance (2). Last evaluated 2025-01-22.

Conditions:
Familial thoracic aortic aneurysm and aortic dissection (TAAD). Also called: Thoracic aortic aneurysms and dissections. Identifiers: Orphanet 91387, MedGen C4707243, MONDO:0019625.
Hereditary cancer-predisposing syndrome. Also called: Hereditary neoplastic syndrome; Tumor predisposition; Hereditary Cancer Syndrome; Neoplastic Syndromes, Hereditary. Identifiers: Orphanet 140162, MedGen C0027672, MeSH D009386, MONDO:0015356.
Juvenile polyposis syndrome (JPS). Identifiers: Orphanet 2929, MedGen C0345893, MONDO:0017380, OMIM 174900.

Allele frequency attached by ClinVar (database versions not stated): TOPMed below 0.00001; gnomAD 0.00001.
gnomAD v4.1: 1 of 1,613,988 alleles (0.000062%); highest among the groups gnomAD compares: African/African-American, 0.0013%; no homozygotes.

Submissions (2):

Ambry Genetics
Classification: Uncertain significance for Hereditary cancer-predisposing syndrome; Familial thoracic aortic aneurysm and aortic dissection. Last evaluated: 2025-01-22. Review status: criteria provided, single submitter. Criteria: Ambry Variant Classification Scheme 2023. Collection method: clinical testing. Allele origin: germline.
Comment: The p.T194A variant (also known as c.580A>G), located in coding exon 4 of the SMAD4 gene, results from an A to G substitution at nucleotide position 580. The threonine at codon 194 is replaced by alanine, an amino acid with similar properties. This amino acid position is well conserved in available vertebrate species. In addition, the in silico prediction for this alteration is inconclusive. Based on the available evidence, the clinical significance of this variant remains unclear.

Labcorp Genetics (formerly Invitae), Labcorp
Classification: Uncertain significance for Juvenile polyposis syndrome. Last evaluated: 2024-07-06. Review status: criteria provided, single submitter. Criteria: Invitae Variant Classification Sherloc (09022015). Collection method: clinical testing. Allele origin: germline.
Comment: This sequence change replaces threonine, which is neutral and polar, with alanine, which is neutral and non-polar, at codon 194 of the SMAD4 protein (p.Thr194Ala). This variant is not present in population databases (gnomAD no frequency). This variant has not been reported in the literature in individuals affected with SMAD4-related conditions. ClinVar contains an entry for this variant (Variation ID: 578083). Advanced modeling of protein sequence and biophysical properties (such as structural, functional, and spatial information, amino acid conservation, physicochemical variation, residue mobility, and thermodynamic stability) performed at Invitae indicates that this missense variant is not expected to disrupt SMAD4 protein function with a negative predictive value of 95%. In summary, the available evidence is currently insufficient to determine the role of this variant in disease. Therefore, it has been classified as a Variant of Uncertain Significance.